The following is an entry in ClinVar:

ClinVar aggregate classification (germline): Benign/Likely benign. Review status: criteria provided, multiple submitters, no conflicts (2 of 4 stars). 15 submissions from 15 submitters: Benign (10); Likely benign (1). 4 of the submissions do not count toward it. Last evaluated 2026-02-04.

Conditions:
Cardiomyopathy (CMYO). Also called: Cardiomyopathies. Identifiers: Orphanet 167848, MedGen C0878544, MONDO:0004994, HP:0001638. Inheritance: Various modes of inheritance.
Becker muscular dystrophy (BMD). Also called: MUSCULAR DYSTROPHY, PSEUDOHYPERTROPHIC PROGRESSIVE, BECKER TYPE; Becker Muscular Dystrophy (BMD). Identifiers: Orphanet 98895, MedGen C0917713, MONDO:0010311, OMIM 300376.
Duchenne muscular dystrophy (DMD). Also called: Duchenne Muscular Dystrophy (DMD); MUSCULAR DYSTROPHY, PSEUDOHYPERTROPHIC PROGRESSIVE, DUCHENNE TYPE. Identifiers: Orphanet 98896, MedGen C0013264, MONDO:0010679, OMIM 310200.
Dystrophin deficiency.
Dilated cardiomyopathy 3B (CMD3B). Also called: CMD3B: DMD-Related Dilated Cardiomyopathy; CARDIOMYOPATHY, DILATED, X-LINKED; DMD-Associated Dilated Cardiomyopathy. Identifiers: Orphanet 154, MedGen C3668940, MONDO:0010542, OMIM 302045.

Submissions (15):

Labcorp Genetics (formerly Invitae), Labcorp
Classification: Benign for Duchenne muscular dystrophy. Last evaluated: 2026-02-04. Review status: criteria provided, single submitter. Criteria: Invitae Variant Classification Sherloc (09022015). Collection method: clinical testing. Allele origin: germline.

ARUP Laboratories, Molecular Genetics and Genomics, ARUP Laboratories
Classification: Benign. Last evaluated: 2025-07-23. Review status: criteria provided, single submitter. Criteria: ARUP Molecular Germline Variant Investigation Process 2024. Collection method: clinical testing. Allele origin: germline.

Molecular Diagnostic Laboratory for Inherited Cardiovascular Disease, Montreal Heart Institute
Classification: Benign. Last evaluated: 2025-04-09. Review status: criteria provided, single submitter. Criteria: ACMG Guidelines, 2015. Collection method: clinical testing. Allele origin: germline. Affected: no.

Blueprint Genetics
Classification: Benign. Last evaluated: 2024-11-28. Review status: criteria provided, single submitter. Criteria: ACMG Guidelines, 2015. Collection method: clinical testing. Allele origin: germline.

Mayo Clinic Laboratories, Mayo Clinic
Classification: Benign. Last evaluated: 2023-01-26. Review status: criteria provided, single submitter. Criteria: ACMG Guidelines, 2015. Collection method: clinical testing. Allele origin: germline. Observed: 237 variant alleles.
Comment: BA1, BP4, BP7

Fulgent Genetics
Classification: Likely benign for Becker muscular dystrophy; Dilated cardiomyopathy 3B; Duchenne muscular dystrophy. Last evaluated: 2021-08-11. Review status: criteria provided, single submitter. Criteria: ACMG Guidelines, 2015. Collection method: clinical testing. Allele origin: unknown.

Women's Health and Genetics/Laboratory Corporation of America, LabCorp
Classification: Benign. Last evaluated: 2018-07-19. Review status: criteria provided, single submitter. Criteria: LabCorp Variant Classification Summary - May 2015. Collection method: clinical testing. Allele origin: germline.
Comment: Variant summary: DMD c.94-9dupT alters a non-conserved nucleotide located close to a canonical splice site and therefore could affect mRNA splicing, leading to a significantly altered protein sequence. 5/5 computational tools predict no significant impact on normal splicing. However, these predictions have yet to be confirmed by functional studies. The variant allele was found at a frequency of 0.096 in 84206 control chromosomes in the ExAC database, including 300 homozygotes. The observed variant frequency is approximately 8.61 fold of the estimated maximal expected allele frequency for a pathogenic variant in DMD causing Dystrophiopathies phenotype (0.011), strongly suggesting that the variant is benign. To our knowledge, no occurrence of c.94-9dupT in individuals affected with Dystrophiopathies and no experimental evidence demonstrating its impact on protein function have been reported. Four clinical diagnostic laboratories have submitted clinical-significance assessments for this variant to ClinVar after 2014 without evidence for independent evaluation. All laboratories classified the variant as benign/likely benign. Based on the evidence outlined above, the variant was classified as benign.

GeneDx
Classification: Benign. Last evaluated: 2018-06-08. Review status: criteria provided, single submitter. Criteria: GeneDx Variant Classification Process June 2021. Collection method: clinical testing. Allele origin: germline. Affected: yes.
Comment: This variant is associated with the following publications: (PMID: 28859693)

Phosphorus, Inc.
Classification: Benign for Duchenne muscular dystrophy. Last evaluated: 2017-08-01. Review status: criteria provided, single submitter. Criteria: ACMG Guidelines, 2015. Collection method: clinical testing. Allele origin: germline. Observed: 4 variant alleles.

Athena Diagnostics
Classification: Benign. Last evaluated: 2017-07-25. Review status: criteria provided, single submitter. Criteria: Athena Diagnostics Criteria. Collection method: clinical testing. Allele origin: germline.

PreventionGenetics, part of Exact Sciences
Classification: Benign. Review status: criteria provided, single submitter. Criteria: ACMG Guidelines, 2015. Collection method: clinical testing. Allele origin: germline.

Natera, Inc.
Classification: Benign for Becker muscular dystrophy; Cardiomyopathy; Duchenne muscular dystrophy; Dystrophin deficiency. Last evaluated: 2017-08-09. Review status: no assertion criteria provided. Collection method: clinical testing. Allele origin: germline. Not counted in ClinVar's aggregate classification.

Eurofins Ntd Llc (ga)
Classification: Benign for AllHighlyPenetrant. Last evaluated: 2014-01-28. Review status: no assertion criteria provided. Collection method: clinical testing. Allele origin: germline. Observed: 41 variant alleles, 14 heterozygotes, 27 homozygotes. Not counted in ClinVar's aggregate classification.

Clinical Genetics, Academic Medical Center
Classification: Benign. Review status: no assertion criteria provided. Collection method: clinical testing. Allele origin: germline. Affected: yes. Study: VKGL Data-share Consensus. Not counted in ClinVar's aggregate classification.

Laboratory of Diagnostic Genome Analysis, Leiden University Medical Center (LUMC)
Classification: Likely benign. Review status: no assertion criteria provided. Collection method: clinical testing. Allele origin: germline. Affected: yes. Study: VKGL Data-share Consensus. Not counted in ClinVar's aggregate classification.

Literature cited by the submitters: PubMed 23757202 (cited by Eurofins Ntd Llc (ga)).

NM_004006.3(DMD):c.94-9dup

Gene: DMD (dystrophin; minus strand). Cytogenetic location: Xp21.1.
Variant type: Duplication.
Coding change: c.94-9dup on transcript NM_004006.3 (MANE Select); 9 bases into the intron before coding-DNA position 94, one base duplicated (T; older notation c.94-9dupT).
Molecular consequence: intron variant.
Genome position (GRCh38, 1-based): chrX:32,849,829, A duplicated on the plus strand (T on the coding strand, the reverse complement: DMD is on the minus strand); the first of 8 consecutive A bases (chrX:32,849,829-32,849,836); duplicating any one gives the same sequence. VCF-style (leftmost placement, unchanged base first): chrX-32849828-T-TA. GRCh37 (hg19) VCF-style: chrX-32867945-T-TA.
Other names: p.?; c.94-9dup (NM_004006.2); c.70-9dup (NM_000109.4); c.82-9dup (NM_004009.3); c.-276-9dup (NM_004010.3); c.94-9dupT (NM_004006.2).
Identifiers: ClinVar variation 94844 (VCV000094844.43), dbSNP rs3834997, ClinGen allele CA285626.